The following is an entry in ClinVar:

NM_020549.5(CHAT):c.1451G>A (p.Arg484Gln)

Gene: CHAT (choline O-acetyltransferase; plus strand). Cytogenetic location: 10q11.23.
Variant type: single nucleotide variant.
Coding change: c.1451G>A on transcript NM_020549.5 (MANE Select); coding-DNA position 1451, G replaced by A.
Protein change: p.Arg484Gln; replaces arginine 484 with glutamine.
Molecular consequence: missense variant.
Genome position (GRCh38, 1-based): chr10:49,649,576, G>A. VCF-style: chr10-49649576-G-A. GRCh37 (hg19) VCF-style: chr10-50857622-G-A.
Other names: c.1097G>A, p.Arg366Gln (NM_001142929.2, NM_001142934.2, NM_020984.4 and 2 more transcripts); c.1205G>A, p.Arg402Gln (NM_001142933.2); short protein forms R366Q, R484Q, R402Q.
Identifiers: ClinVar variation 585035 (VCV000585035.10), dbSNP rs771901229, ClinGen allele CA5497507.

ClinVar aggregate classification (germline): Likely benign (1 of 4 stars; one submission).

Conditions:
Familial infantile myasthenia (CMS6). Also called: MYASTHENIC SYNDROME, CONGENITAL, 6, PRESYNAPTIC; Congenital myasthenic syndrome type 6; MYASTHENIC SYNDROME, PRESYNAPTIC, CONGENITAL, ASSOCIATED WITH EPISODIC APNEA. Identifiers: Orphanet 590, MedGen C0393929, MONDO:0009689, OMIM 254210.

Allele frequency attached by ClinVar (database versions not stated): gnomAD 0.00002 and 0.00003; TOPMed 0.00002; ExAC 0.00014.
gnomAD v4.1: 105 of 1,613,758 alleles (0.0065%); highest among the groups gnomAD compares: East Asian, 0.2%; 1 homozygote.

Submission:

Labcorp Genetics (formerly Invitae), Labcorp
Classification: Likely benign for Familial infantile myasthenia. Last evaluated: 2026-01-13. Review status: criteria provided, single submitter. Criteria: Invitae Variant Classification Sherloc (09022015). Collection method: clinical testing. Allele origin: germline.